The following is an entry in ClinVar:

ClinVar aggregate classification (germline): Uncertain significance (1 of 4 stars; one submission).

Submission:

CeGaT Center for Human Genetics Tuebingen
Classification: Uncertain significance. Last evaluated: 2024-02-01. Review status: criteria provided, single submitter. Criteria: CeGaT Center For Human Genetics Tuebingen Variant Classification Criteria Version 2. Collection method: clinical testing. Allele origin: germline. Affected: yes. Observed: 1 variant allele.
Comment: HCN1: PM2, PS4:Supporting, BP5

NM_021072.4(HCN1):c.2039C>A (p.Ser680Tyr)

Gene: HCN1 (hyperpolarization activated cyclic nucleotide gated potassium channel 1; minus strand). Cytogenetic location: 5p12.
Variant type: single nucleotide variant.
Coding change: c.2039C>A on transcript NM_021072.4 (MANE Select); coding-DNA position 2039, C replaced by A.
Protein change: p.Ser680Tyr; replaces serine 680 with tyrosine.
Molecular consequence: missense variant.
Genome position (GRCh38, 1-based): chr5:45,262,555, G>T on the plus strand (C>A on the coding strand, the complement: HCN1 is on the minus strand). VCF-style: chr5-45262555-G-T. GRCh37 (hg19) VCF-style: chr5-45262657-G-T.
Other names: short protein forms S680Y.
Identifiers: ClinVar variation 3026527 (VCV003026527.22), dbSNP rs2478182644, ClinGen allele CA359704177.
Genomic context (GRCh38, chr5:45,262,555, plus strand): 5'-GTGTAGGAGCAGGGTGACAGGATGGCTGATGGCTGGGGGGTCTGTGTGCTGGGACTGGGG[G>T]AGTGCAGGTTGCTGTGAGACAGGCTGGTCGCTGTGTACACCGGTGGAGATTGTGTCCTCA-3'
Protein context (NP_066550.2, residues 670-690): ATSLSHSNLH[Ser680Tyr]PSPSTQTPQP